The following is an entry in ClinVar:

ClinVar aggregate classification (germline): Uncertain significance (1 of 4 stars; one submission).

Conditions:
Evans syndrome, immunodeficiency, and premature immunosenescence associated with tripeptidyl-peptidase II deficiency. Identifiers: MedGen CN231723. Disease mechanism: loss of function.

Allele frequency attached by ClinVar (database versions not stated): gnomAD 0.00001; gnomAD exomes 0.00001 and 0.00003; ExAC 0.00002; TOPMed 0.00002.
gnomAD v4.1: 40 of 1,613,752 alleles (0.0025%); highest among the groups gnomAD compares: Non-Finnish European, 0.0032%; no homozygotes.

Submission:

Labcorp Genetics (formerly Invitae), Labcorp
Classification: Uncertain significance for Evans syndrome, immunodeficiency, and premature immunosenescence associated with tripeptidyl-peptidase II deficiency. Last evaluated: 2024-09-12. Review status: criteria provided, single submitter. Criteria: Invitae Variant Classification Sherloc (09022015). Collection method: clinical testing. Allele origin: germline.
Comment: This sequence change replaces aspartic acid, which is acidic and polar, with tyrosine, which is neutral and polar, at codon 1161 of the TPP2 protein (p.Asp1161Tyr). This variant is present in population databases (rs765673546, gnomAD 0.003%). This variant has not been reported in the literature in individuals affected with TPP2-related conditions. ClinVar contains an entry for this variant (Variation ID: 1006262). An algorithm developed to predict the effect of missense changes on protein structure and function (PolyPhen-2) suggests that this variant is likely to be tolerated. In summary, the available evidence is currently insufficient to determine the role of this variant in disease. Therefore, it has been classified as a Variant of Uncertain Significance.

NM_001330588.2(TPP2):c.3520G>T (p.Asp1174Tyr)

Gene: TPP2 (tripeptidyl peptidase 2; plus strand). Cytogenetic location: 13q33.1.
Variant type: single nucleotide variant.
Coding change: c.3520G>T on transcript NM_001330588.2 (MANE Select); coding-DNA position 3520, G replaced by T.
Protein change: p.Asp1174Tyr; replaces aspartic acid 1174 with tyrosine.
Molecular consequence: missense variant. On other transcripts: non-coding transcript variant (1).
Genome position (GRCh38, 1-based): chr13:102,674,431, G>T. VCF-style: chr13-102674431-G-T. GRCh37 (hg19) VCF-style: chr13-103326781-G-T.
Other names: c.3607G>T, p.Asp1203Tyr (NM_001367947.1); c.3481G>T, p.Asp1161Tyr (NM_003291.4); short protein forms D1161Y, D1174Y, D1203Y.
Identifiers: ClinVar variation 1006262 (VCV001006262.8), dbSNP rs765673546, ClinGen allele CA7038290.